The following is an entry in ClinVar:

ClinVar aggregate classification (germline): Pathogenic (1 of 4 stars; one submission).

Conditions:
Parenti-mignot neurodevelopmental syndrome. Identifiers: MedGen C5676984, MONDO:0859249, OMIM 619873.

Submission:

Institute of Human Genetics, University of Leipzig Medical Center
Classification: Pathogenic for Parenti-mignot neurodevelopmental syndrome. Last evaluated: 2025-04-17. Review status: criteria provided, single submitter. Criteria: ACMG Guidelines, 2015. Collection method: clinical testing. Allele origin: unknown. Inheritance: Autosomal dominant inheritance. Affected: yes.
Comment: Criteria applied: PVS1,PM2

NM_015557.3(CHD5):c.3056del (p.Leu1019fs)

Gene: CHD5 (chromodomain helicase DNA binding protein 5; minus strand). Cytogenetic location: 1p36.31.
Variant type: Deletion.
Coding change: c.3056del on transcript NM_015557.3 (MANE Select); coding-DNA position 3056, one base deleted (T; older notation c.3056delT).
Protein change: p.Leu1019fs; shifts the reading frame from leucine 1019.
Molecular consequence: frameshift variant.
Genome position (GRCh38, 1-based): chr1:6,134,216, A deleted on the plus strand (T on the coding strand, the reverse complement: CHD5 is on the minus strand). VCF-style (leftmost placement, unchanged base first): chr1-6134215-CA-C. GRCh37 (hg19) VCF-style: chr1-6194275-CA-C.
Other names: short protein forms L1019fs.
Identifiers: ClinVar variation 3901205 (VCV003901205.1).